The following is an entry in ClinVar:

NM_000051.4(ATM):c.5750G>C (p.Arg1917Thr)

Gene: ATM (ATM serine/threonine kinase; plus strand). Cytogenetic location: 11q22.3.
Variant type: single nucleotide variant.
Coding change: c.5750G>C on transcript NM_000051.4 (MANE Select); coding-DNA position 5750, G replaced by C.
Protein change: p.Arg1917Thr; replaces arginine 1917 with threonine.
Molecular consequence: missense variant.
Genome position (GRCh38, 1-based): chr11:108,307,972, G>C. VCF-style: chr11-108307972-G-C. GRCh37 (hg19) VCF-style: chr11-108178699-G-C.
Other names: c.5750G>C, p.Arg1917Thr (NM_001351834.2); short protein forms R1917T.
Identifiers: ClinVar variation 140925 (VCV000140925.32), dbSNP rs377289524, ClinGen allele CA163939.

ClinVar aggregate classification (germline): Uncertain significance. Review status: criteria provided, multiple submitters, no conflicts (2 of 4 stars). 7 submissions from 7 submitters: Uncertain significance (6). 1 of the submissions does not count toward it. Last evaluated 2025-01-28.

Conditions:
Hereditary cancer-predisposing syndrome. Also called: Neoplastic Syndromes, Hereditary; Hereditary Cancer Syndrome; Hereditary neoplastic syndrome; Tumor predisposition. Identifiers: Orphanet 140162, MedGen C0027672, MeSH D009386, MONDO:0015356.
Familial cancer of breast. Also called: Hereditary breast cancer; hereditary breast carcinoma; BREAST CANCER, FAMILIAL. Identifiers: Orphanet 227535, MedGen C0346153, MONDO:0016419, OMIM 114480. Disease mechanism: loss of function.
Ataxia-telangiectasia syndrome (AT). Also called: Cerebello-oculocutaneous telangiectasia; Immunodeficiency with ataxia telangiectasia; Ataxia-telangiectasia, complementation group D; AT, COMPLEMENTATION GROUP C; ATAXIA-TELANGIECTASIA, FRESNO VARIANT; ATAXIA-TELANGIECTASIA, COMPLEMENTATION GROUP A. Identifiers: Orphanet 100, MedGen C0004135, MONDO:0008840, OMIM 208900.

Allele frequency attached by ClinVar (database versions not stated): gnomAD exomes below 0.00001 and 0.00001; ExAC 0.00001; gnomAD 0.00002; TOPMed 0.00004; ESP Exome Variant Server 0.00008.
gnomAD v4.1: 7 of 1,611,230 alleles (0.00043%); highest among the groups gnomAD compares: Non-Finnish European, 0.00059%; no homozygotes.

Submissions (7):

Labcorp Genetics (formerly Invitae), Labcorp
Classification: Uncertain significance for Ataxia-telangiectasia syndrome. Last evaluated: 2025-01-28. Review status: criteria provided, single submitter. Criteria: Invitae Variant Classification Sherloc (09022015). Collection method: clinical testing. Allele origin: germline.
Comment: This sequence change replaces arginine, which is basic and polar, with threonine, which is neutral and polar, at codon 1917 of the ATM protein (p.Arg1917Thr). This variant is present in population databases (rs377289524, gnomAD 0.003%). This missense change has been observed in individual(s) with breast cancer and/or melanoma (PMID: 30303537, 32325837, 34262154). ClinVar contains an entry for this variant (Variation ID: 140925). Invitae Evidence Modeling of protein sequence and biophysical properties (such as structural, functional, and spatial information, amino acid conservation, physicochemical variation, residue mobility, and thermodynamic stability) has been performed for this missense variant. However, the output from this modeling did not meet the statistical confidence thresholds required to predict the impact of this variant on ATM protein function. In summary, the available evidence is currently insufficient to determine the role of this variant in disease. Therefore, it has been classified as a Variant of Uncertain Significance.

Ambry Genetics
Classification: Uncertain significance for Hereditary cancer-predisposing syndrome. Last evaluated: 2024-12-20. Review status: criteria provided, single submitter. Criteria: Ambry Variant Classification Scheme 2023. Collection method: clinical testing. Allele origin: germline.
Comment: The p.R1917T variant (also known as c.5750G>C), located in coding exon 37 of the ATM gene, results from a G to C substitution at nucleotide position 5750. The arginine at codon 1917 is replaced by threonine, an amino acid with similar properties. Another study identified this variant in a patient with cutaneous melanoma and was reportedly identified in the patient's sister with cutaneous melanoma and father with a history of prostate cancer, bladder cancer, colorectal cancer and uveal melanoma. This same study identified this variant in second patient with multiple primary melanomas; however this patient was also positive for a germline MITF p.Glu218Lys alteration (Pastorino L et al. Cancers (Basel), 2020 04;12:). This amino acid position is highly conserved in available vertebrate species. In addition, this alteration is predicted to be deleterious by in silico analysis. Based on the available evidence, the clinical significance of this variant remains unclear.

Color Diagnostics, LLC DBA Color Health
Classification: Uncertain significance for Hereditary cancer-predisposing syndrome. Last evaluated: 2024-07-09. Review status: criteria provided, single submitter. Criteria: ACMG Guidelines, 2015. Collection method: clinical testing. Allele origin: germline.
Comment: This missense variant replaces arginine with threonine at codon 1917 of the ATM protein. Computational prediction suggests that this variant may have deleterious impact on protein structure and function (internally defined REVEL score threshold >= 0.7, PMID: 27666373). To our knowledge, functional studies have not been reported for this variant. This variant has been reported in individuals affected with breast cancer (PMID: 29665859, 33471991) or melanoma (PMID: 32325837, 34262154). This variant has been identified in 2/251008 chromosomes in the general population by the Genome Aggregation Database (gnomAD). The available evidence is insufficient to determine the role of this variant in disease conclusively. Therefore, this variant is classified as a Variant of Uncertain Significance.

Baylor Genetics
Classification: Uncertain significance for Familial cancer of breast. Last evaluated: 2024-03-03. Review status: criteria provided, single submitter. Criteria: ACMG Guidelines, 2015. Collection method: clinical testing. Allele origin: unknown.

GeneDx
Classification: Uncertain significance. Last evaluated: 2023-08-02. Review status: criteria provided, single submitter. Criteria: GeneDx Variant Classification Process June 2021. Collection method: clinical testing. Allele origin: germline. Affected: yes.
Comment: Not observed at significant frequency in large population cohorts (gnomAD); In silico analysis supports that this missense variant has a deleterious effect on protein structure/function; Observed in individuals with breast and other cancers (Renault et al., 2018; Girard et al., 2019; Pastorino et al., 2020; Dalmasso et al., 2021); This variant is associated with the following publications: (PMID: 29665859, 30303537, 32325837, 34262154)

Women's Health and Genetics/Laboratory Corporation of America, LabCorp
Classification: Uncertain significance. Last evaluated: 2022-06-15. Review status: criteria provided, single submitter. Criteria: LabCorp Variant Classification Summary - May 2015. Collection method: clinical testing. Allele origin: germline.
Comment: Variant summary: ATM c.5750G>C (p.Arg1917Thr) results in a non-conservative amino acid change in the encoded protein sequence. Five of five in-silico tools predict a damaging effect of the variant on protein function. The variant allele was found at a frequency of 8e-06 in 251008 control chromosomes. The available data on variant occurrences in the general population are insufficient to allow any conclusion about variant significance. c.5750G>C has been reported in the literature in individuals affected with and/or undergoing testing for breast cancer/melanoma (example, Renault_2018, Girard_2019, Pastorino_2020, Dalmasso_2021). These report(s) do not provide unequivocal conclusions about association of the variant with Ataxia-Telangiectasia/ATM-related cancers. To our knowledge, no experimental evidence demonstrating an impact on protein function has been reported. Five clinical diagnostic laboratories have submitted clinical-significance assessments for this variant to ClinVar after 2014 without evidence for independent evaluation. All laboratories classified the variant as uncertain significance. Based on the evidence outlined above, the variant was classified as uncertain significance.

Natera, Inc.
Classification: Uncertain significance for Ataxia-telangiectasia. Last evaluated: 2021-06-22. Review status: no assertion criteria provided. Collection method: clinical testing. Allele origin: germline. Not counted in ClinVar's aggregate classification.

Literature cited by the submitters: PubMed 30303537 (cited by Labcorp Genetics (formerly Invitae), Labcorp and Women's Health and Genetics/Laboratory Corporation of America, LabCorp); PubMed 32325837 (cited by 4 submitters); PubMed 34262154 (cited by 3 submitters); PubMed 29665859 (cited by 3 submitters); PubMed 33471991 (cited by Color Diagnostics, LLC DBA Color Health).